The following is an entry in ClinVar:

NM_032383.5(HPS3):c.1967C>T (p.Pro656Leu)

Gene: HPS3 (HPS3 biogenesis of lysosomal organelles complex 2 subunit 1; plus strand). Cytogenetic location: 3q24.
Variant type: single nucleotide variant.
Coding change: c.1967C>T on transcript NM_032383.5 (MANE Select); coding-DNA position 1967, C replaced by T.
Protein change: p.Pro656Leu; replaces proline 656 with leucine.
Molecular consequence: missense variant.
Genome position (GRCh38, 1-based): chr3:149,160,140, C>T. VCF-style: chr3-149160140-C-T. GRCh37 (hg19) VCF-style: chr3-148877927-C-T.
Other names: c.1472C>T, p.Pro491Leu (NM_001308258.2); short protein forms P491L, P656L.
Identifiers: ClinVar variation 1494613 (VCV001494613.6), dbSNP rs1280378060, ClinGen allele CA354923307.

ClinVar aggregate classification (germline): Uncertain significance (1 of 4 stars; one submission).

Allele frequency attached by ClinVar (database versions not stated): gnomAD exomes below 0.00001.
gnomAD v4.1: 2 of 1,613,818 alleles (0.00012%); highest among the groups gnomAD compares: South Asian, 0.0011%; no homozygotes.

Submission:

Labcorp Genetics (formerly Invitae), Labcorp
Classification: Uncertain significance. Last evaluated: 2024-04-30. Review status: criteria provided, single submitter. Criteria: Invitae Variant Classification Sherloc (09022015). Collection method: clinical testing. Allele origin: germline.
Comment: This sequence change replaces proline, which is neutral and non-polar, with leucine, which is neutral and non-polar, at codon 656 of the HPS3 protein (p.Pro656Leu). This variant is present in population databases (no rsID available, gnomAD 0.0009%). This variant has not been reported in the literature in individuals affected with HPS3-related conditions. ClinVar contains an entry for this variant (Variation ID: 1494613). Advanced modeling of protein sequence and biophysical properties (such as structural, functional, and spatial information, amino acid conservation, physicochemical variation, residue mobility, and thermodynamic stability) has been performed at Invitae for this missense variant, however the output from this modeling did not meet the statistical confidence thresholds required to predict the impact of this variant on HPS3 protein function. In summary, the available evidence is currently insufficient to determine the role of this variant in disease. Therefore, it has been classified as a Variant of Uncertain Significance.